The following is an entry in ClinVar:

ClinVar aggregate classification (germline): Pathogenic (1 of 4 stars; one submission).

Conditions:
Hereditary breast ovarian cancer syndrome. Also called: Hereditary breast and/or ovarian cancer syndrome; Hereditary breast and ovarian cancer syndrome; Hereditary breast and ovarian cancer; Hereditary breast and ovarian cancer syndrome (HBOC); Breast and ovarian cancer; BRCA1- and BRCA2-Associated Hereditary Breast and Ovarian Cancer. Identifiers: Orphanet 145, MedGen C0677776, MeSH D061325, MONDO:0003582. Disease mechanism: loss of function.

Submission:

Labcorp Genetics (formerly Invitae), Labcorp
Classification: Pathogenic for Hereditary breast ovarian cancer syndrome. Last evaluated: 2019-09-19. Review status: criteria provided, single submitter. Criteria: Invitae Variant Classification Sherloc (09022015). Collection method: clinical testing. Allele origin: germline.
Comment: This sequence change creates a premature translational stop signal (p.Pro2767Serfs*2) in the BRCA2 gene. It is expected to result in an absent or disrupted protein product. This variant is not present in population databases (ExAC no frequency). This variant has not been reported in the literature in individuals with BRCA2-related conditions. Loss-of-function variants in BRCA2 are known to be pathogenic (PMID: 20104584). For these reasons, this variant has been classified as Pathogenic.

Literature cited by the submitters: PubMed 20104584.

NM_000059.4(BRCA2):c.8298_8299del (p.Pro2767fs)

Gene: BRCA2 (BRCA2 DNA repair associated; plus strand). Cytogenetic location: 13q13.1.
Variant type: Microsatellite.
Coding change: c.8298_8299del on transcript NM_000059.4 (MANE Select); coding-DNA positions 8298 to 8299, 2 bases deleted (AC; older notation c.8298_8299delAC).
Protein change: p.Pro2767fs; shifts the reading frame from proline 2767.
Molecular consequence: frameshift variant.
Genome position (GRCh38, 1-based): chr13:32,363,500-32,363,501, AC deleted; deleting any 2 consecutive bases within chr13:32,363,498-32,363,501 gives the same sequence; the c. name uses the placement nearest the transcript's 3' end. VCF-style (leftmost placement, unchanged base first): chr13-32363497-TAC-T. GRCh37 (hg19) VCF-style: chr13-32937634-TAC-T.
Other names: short protein forms P2767fs.
Identifiers: ClinVar variation 940387 (VCV000940387.8), dbSNP rs397507973, ClinGen allele CA2082837229.